The following is an entry in ClinVar:

ClinVar aggregate classification (germline): Likely pathogenic (1 of 4 stars; one submission).

Submission:

Labcorp Genetics (formerly Invitae), Labcorp
Classification: Likely pathogenic. Last evaluated: 2024-07-31. Review status: criteria provided, single submitter. Criteria: Invitae Variant Classification Sherloc (09022015). Collection method: clinical testing. Allele origin: germline.
Comment: This variant results in the deletion of part of exon 2 (c.251-55_255del) of the MED17 gene. It is expected to disrupt RNA splicing. Variants that disrupt the donor or acceptor splice site typically lead to a loss of protein function (PMID: 16199547), and loss-of-function variants in MED17 are known to be pathogenic (PMID: 20950787, 26004231, 30345598). This variant is not present in population databases (gnomAD no frequency). This variant has not been reported in the literature in individuals affected with MED17-related conditions. In summary, the currently available evidence indicates that the variant is pathogenic, but additional data are needed to prove that conclusively. Therefore, this variant has been classified as Likely Pathogenic.

Literature cited by the submitters: PubMed 16199547; PubMed 20950787; PubMed 26004231; PubMed 30345598.

NM_004268.5(MED17):c.251-55_255del

Gene: MED17 (mediator complex subunit 17; plus strand). Cytogenetic location: 11q21.
Variant type: Deletion.
Coding change: c.251-55_255del on transcript NM_004268.5 (MANE Select); 55 bases into the intron before coding-DNA position 251 through coding-DNA position 255, 60 bases deleted.
Molecular consequence: splice acceptor variant.
Genome position (GRCh38, 1-based): chr11:93,787,946-93,788,005, 60 bases deleted. GRCh37 (hg19): chr11:93,521,112-93,521,171.
Identifiers: ClinVar variation 3647361 (VCV003647361.2).